The following is an entry in ClinVar:

NM_005228.5(EGFR):c.3271+42T>G

Gene: EGFR (epidermal growth factor receptor; plus strand). Cytogenetic location: 7p11.2.
Variant type: single nucleotide variant.
Coding change: c.3271+42T>G on transcript NM_005228.5 (MANE Select); 42 bases into the intron after coding-DNA position 3271, T replaced by G.
Molecular consequence: intron variant. On other transcripts: missense variant (2).
Genome position (GRCh38, 1-based): chr7:55,202,667, T>G. VCF-style: chr7-55202667-T-G. GRCh37 (hg19) VCF-style: chr7-55270360-T-G.
Other names: c.3178T>G, p.Ser1060Ala (NM_001346897.2); c.3313T>G, p.Ser1105Ala (NM_001346898.2); c.3136+42T>G (NM_001346899.2); c.2470+42T>G (NM_001346941.2); c.3112+42T>G (NM_001346900.2); c.3178T>G (NM_001346897.1); short protein forms S1060A, S1105A.
Identifiers: ClinVar variation 135517 (VCV000135517.2), dbSNP rs587777940, ClinGen allele CA162972.
Genomic context (GRCh38, chr7:55,202,667, plus strand): 5'-ACCTTCCTCCCAGTGCCTGGTGAGTGGCTTGTCTGGAAACAGTCCTGCTCCTCAACCTCC[T>G]CGACCCACTCAGCAGCAGCCAGTCTCCAGTGTCCAAGCCAGGTGCTCCCTCCAGCATCTC-3'

ClinVar aggregate classification (germline): Uncertain significance. Review status: criteria provided, single submitter (1 of 4 stars). 2 submissions from 2 submitters: Uncertain significance (1). 1 of the submissions does not count toward it. Last evaluated 2023-09-21.

Conditions:
EGFR-related disorder. Also called: EGFR-related condition.

Allele frequency attached by ClinVar (database versions not stated): gnomAD 0.00001; gnomAD exomes 0.00002; TOPMed 0.00002.
gnomAD v4.1: 27 of 1,555,584 alleles (0.0017%); highest among the groups gnomAD compares: Non-Finnish European, 0.0022%; no homozygotes.

Submissions (2):

PreventionGenetics, part of Exact Sciences
Classification: Uncertain significance for EGFR-related condition. Last evaluated: 2023-09-21. Review status: criteria provided, single submitter. Criteria: ACMG Guidelines, 2015. Collection method: clinical testing. Allele origin: germline.
Comment: The EGFR c.3178T>G variant is predicted to result in the amino acid substitution p.Ser1060Ala. To our knowledge, this variant has not been reported in the literature or in a large population database, indicating this variant is rare. At this time, the clinical significance of this variant is uncertain due to the absence of conclusive functional and genetic evidence.

ITMI
No classification provided. Condition: AllHighlyPenetrant. Last evaluated: 2013-09-19. Review status: no classification provided. Collection method: reference population. Allele origin: germline. Not counted in ClinVar's aggregate classification.
Comment: Please see associated publication for description of ethnicities

Literature cited by the submitters: PubMed 24728327 (cited by ITMI).